The following is an entry in ClinVar:

NM_001042432.2(CLN3):c.767C>T (p.Thr256Ile)

Gene: CLN3 (CLN3 lysosomal/endosomal transmembrane protein, battenin; minus strand). Cytogenetic location: 16p12.1.
Variant type: single nucleotide variant.
Coding change: c.767C>T on transcript NM_001042432.2 (MANE Select); coding-DNA position 767, C replaced by T.
Protein change: p.Thr256Ile; replaces threonine 256 with isoleucine.
Molecular consequence: missense variant.
Genome position (GRCh38, 1-based): chr16:28,484,029, G>A on the plus strand (C>T on the coding strand, the complement: CLN3 is on the minus strand). VCF-style: chr16-28484029-G-A. GRCh37 (hg19) VCF-style: chr16-28495350-G-A.
Other names: c.767C>T, p.Thr256Ile (NM_000086.2); c.695C>T, p.Thr232Ile (NM_001286104.2); c.467C>T, p.Thr156Ile (NM_001286105.2); c.533C>T, p.Thr178Ile (NM_001286109.2); c.605C>T, p.Thr202Ile (NM_001286110.2); short protein forms T256I, T202I, T178I, T232I, T156I.
Identifiers: ClinVar variation 423213 (VCV000423213.6), dbSNP rs1064796298, ClinGen allele CA16620177.
Genomic context (GRCh38, chr16:28,484,029, plus strand): 5'-AAAGAAAGTGACCTCTCTGAGGGTCTGTGTCTCCTACCTGGCTTCGACTCCGGGGCCTCG[G>A]TTCTTATGAGGGGCTGCCGGGCTGCGCTCTCTGCTTCTTCTTCCCCTCCAGGGTCCTGGG-3'
Protein context (NP_001035897.1, residues 246-266): ESAARQPLIR[Thr256Ile]EAPESKPGSS

ClinVar aggregate classification (germline): Uncertain significance. Review status: criteria provided, multiple submitters, no conflicts (2 of 4 stars). 3 submissions from 3 submitters: Uncertain significance (2). 1 of the submissions does not count toward it. Last evaluated 2024-05-04.

Conditions:
Juvenile neuronal ceroid lipofuscinosis. Also called: Batten Disease. Identifiers: Orphanet 79264, MedGen CN293564, MONDO:0019262.
Neuronal ceroid lipofuscinosis. Also called: Neuronal Ceroid Lipofuscinoses. Identifiers: Orphanet 216, Orphanet 79263, MedGen C0027877, MONDO:0016295. Disease mechanism: loss of function.

Allele frequency attached by ClinVar (database versions not stated): gnomAD exomes below 0.00001.
gnomAD v4.1: 1 of 1,611,292 alleles (0.000062%); highest among the groups gnomAD compares: South Asian, 0.0011%; no homozygotes.

Submissions (3):

Labcorp Genetics (formerly Invitae), Labcorp
Classification: Uncertain significance for Neuronal ceroid lipofuscinosis. Last evaluated: 2024-05-04. Review status: criteria provided, single submitter. Criteria: Invitae Variant Classification Sherloc (09022015). Collection method: clinical testing. Allele origin: germline.
Comment: This sequence change replaces threonine, which is neutral and polar, with isoleucine, which is neutral and non-polar, at codon 256 of the CLN3 protein (p.Thr256Ile). This variant is not present in population databases (gnomAD no frequency). This variant has not been reported in the literature in individuals affected with CLN3-related conditions. ClinVar contains an entry for this variant (Variation ID: 423213). Advanced modeling of protein sequence and biophysical properties (such as structural, functional, and spatial information, amino acid conservation, physicochemical variation, residue mobility, and thermodynamic stability) performed at Invitae indicates that this missense variant is not expected to disrupt CLN3 protein function with a negative predictive value of 80%. In summary, the available evidence is currently insufficient to determine the role of this variant in disease. Therefore, it has been classified as a Variant of Uncertain Significance.

GeneDx
Classification: Uncertain significance. Last evaluated: 2018-01-31. Review status: criteria provided, single submitter. Criteria: GeneDx Variant Classification (06012015). Collection method: clinical testing. Allele origin: germline. Affected: yes.
Comment: A variant of uncertain significance has been identified in the CLN3 gene. The T256I variant has not been published as a pathogenic variant, nor has it been reported as a benign variant to our knowledge. The T256I variant is not observed in large population cohorts (Lek et al., 2016; 1000 Genomes Consortium et al., 2015; Exome Variant Server). The T256I variant is a non-conservative amino acid substitution, which is likely to impact secondary protein structure as these residues differ in polarity, charge, size and/or other properties. However, this substitution occurs at a position that is not conserved, and in silico analysis predicts this variant likely does not alter the protein structure/function. Therefore, based on the currently available information, it is unclear whether this variant is a pathogenic variant or a rare benign variant.

Natera, Inc.
Classification: Uncertain significance for Batten Disease. Last evaluated: 2025-03-17. Review status: no assertion criteria provided. Collection method: clinical testing. Allele origin: germline. Not counted in ClinVar's aggregate classification.